The following is an entry in ClinVar:

ClinVar aggregate classification (germline): Uncertain significance (1 of 4 stars; one submission).

Submission:

Institute for Human Genetics, University Hospital Essen
Classification: Uncertain significance. Last evaluated: 2005-03-05. Review status: criteria provided, single submitter. Criteria: ACMG Guidelines, 2015. Collection method: clinical testing. Allele origin: de novo. Affected: yes.
Comment: PM2_supp, PS2

NR_002757.3(RNU5B-1):n.37G>C

Genes: RNU5B-1 (RNA, U5B small nuclear 1; plus strand), LOC130057317 (ATAC-STARR-seq lymphoblastoid silent region 6555; plus strand). Cytogenetic location: 15q22.31.
Variant type: single nucleotide variant.
Molecular consequence: non-coding transcript variant (on NR_002757.3).
Genome position: GRCh38 VCF-style: chr15-65304713-G-C. GRCh37 (hg19) VCF-style: chr15-65597051-G-C.
Identifiers: ClinVar variation 3770184 (VCV003770184.1).